The following is an entry in ClinVar:

NM_024675.4(PALB2):c.3536A>G (p.Asn1179Ser)

Gene: PALB2 (partner and localizer of BRCA2; minus strand). Cytogenetic location: 16p12.2.
Variant type: single nucleotide variant.
Coding change: c.3536A>G on transcript NM_024675.4 (MANE Select); coding-DNA position 3536, A replaced by G.
Protein change: p.Asn1179Ser; replaces asparagine 1179 with serine.
Molecular consequence: missense variant.
Genome position (GRCh38, 1-based): chr16:23,603,484, T>C on the plus strand (A>G on the coding strand, the complement: PALB2 is on the minus strand). VCF-style: chr16-23603484-T-C. GRCh37 (hg19) VCF-style: chr16-23614805-T-C.
Other names: short protein forms N1179S.
Identifiers: ClinVar variation 823900 (VCV000823900.14), dbSNP rs1597061803, ClinGen allele CA395137750.

ClinVar aggregate classification (germline): Uncertain significance. Review status: criteria provided, multiple submitters, no conflicts (2 of 4 stars). 2 submissions from 2 submitters: Uncertain significance (2). Last evaluated 2025-08-20.

Conditions:
Familial cancer of breast. Also called: BREAST CANCER, FAMILIAL; Hereditary breast cancer; hereditary breast carcinoma. Identifiers: Orphanet 227535, MedGen C0346153, MONDO:0016419, OMIM 114480. Disease mechanism: loss of function.
Hereditary cancer-predisposing syndrome. Also called: Neoplastic Syndromes, Hereditary; Tumor predisposition; Hereditary neoplastic syndrome; Hereditary Cancer Syndrome. Identifiers: Orphanet 140162, MedGen C0027672, MeSH D009386, MONDO:0015356.

Submissions (2):

Ambry Genetics
Classification: Uncertain significance for Hereditary cancer-predisposing syndrome. Last evaluated: 2025-08-20. Review status: criteria provided, single submitter. Criteria: Ambry Variant Classification Scheme 2023. Collection method: clinical testing. Allele origin: germline.
Comment: The p.N1179S variant (also known as c.3536A>G), located in coding exon 13 of the PALB2 gene, results from an A to G substitution at nucleotide position 3536. The asparagine at codon 1179 is replaced by serine, an amino acid with highly similar properties. This amino acid position is not well conserved in available vertebrate species. In addition, this alteration is predicted to be tolerated by in silico analysis. Since supporting evidence is limited at this time, the clinical significance of this alteration remains unclear.

Labcorp Genetics (formerly Invitae), Labcorp
Classification: Uncertain significance for Familial cancer of breast. Last evaluated: 2023-11-17. Review status: criteria provided, single submitter. Criteria: Invitae Variant Classification Sherloc (09022015). Collection method: clinical testing. Allele origin: germline.
Comment: This sequence change replaces asparagine, which is neutral and polar, with serine, which is neutral and polar, at codon 1179 of the PALB2 protein (p.Asn1179Ser). This variant is not present in population databases (gnomAD no frequency). This variant has not been reported in the literature in individuals affected with PALB2-related conditions. ClinVar contains an entry for this variant (Variation ID: 823900). Algorithms developed to predict the effect of missense changes on protein structure and function output the following: SIFT: "Not Available"; PolyPhen-2: "Benign"; Align-GVGD: "Not Available". The serine amino acid residue is found in multiple mammalian species, which suggests that this missense change does not adversely affect protein function. In summary, the available evidence is currently insufficient to determine the role of this variant in disease. Therefore, it has been classified as a Variant of Uncertain Significance.